The following is an entry in ClinVar:

ClinVar aggregate classification (germline): Uncertain significance (1 of 4 stars; one submission).

gnomAD v4.1: 12 of 1,613,580 alleles (0.00074%); highest among the groups gnomAD compares: Non-Finnish European, 0.001%; no homozygotes.

Submission:

Women's Health and Genetics/Laboratory Corporation of America, LabCorp
Classification: Uncertain significance. Last evaluated: 2025-03-21. Review status: criteria provided, single submitter. Criteria: LabCorp Variant Classification Summary - May 2015. Collection method: clinical testing. Allele origin: germline.
Comment: Variant summary: FREM2 c.5627T>C (p.Val1876Ala) results in a non-conservative amino acid change in the encoded protein sequence. Three of five in-silico tools predict a benign effect of the variant on protein function. The variant was absent in 250664 control chromosomes. The available data on variant occurrences in the general population are insufficient to allow any conclusion about variant significance. To our knowledge, no occurrence of c.5627T>C in individuals affected with Cryptophthalmos Syndrome and no experimental evidence demonstrating its impact on protein function have been reported. No submitters have cited clinical-significance assessments for this variant to ClinVar. Based on the evidence outlined above, the variant was classified as uncertain significance.

NM_207361.6(FREM2):c.5627T>C (p.Val1876Ala)

Gene: FREM2 (FRAS1 related extracellular matrix 2; plus strand). Cytogenetic location: 13q13.3.
Variant type: single nucleotide variant.
Coding change: c.5627T>C on transcript NM_207361.6 (MANE Select); coding-DNA position 5627, T replaced by C.
Protein change: p.Val1876Ala; replaces valine 1876 with alanine.
Molecular consequence: missense variant.
Genome position (GRCh38, 1-based): chr13:38,769,794, T>C. VCF-style: chr13-38769794-T-C. GRCh37 (hg19) VCF-style: chr13-39343931-T-C.
Other names: short protein forms V1876A.
Identifiers: ClinVar variation 3896052 (VCV003896052.1).
Genomic context (GRCh38, chr13:38,769,794, plus strand): 5'-TACTCTCAGAGCCCGTGCTGGCTGCCTTGGAATTCCCCACAGTCGCCACTGTTGAGATCG[T>C]TGATCCAGGAGATGGTAAGAGCCATCGTCAACTGGTTTATGTTGTTGCTGTTGGGCTGCT-3'
Protein context (NP_997244.4, residues 1866-1886): EFPTVATVEI[Val1876Ala]DPGDEPTVFI